The following is an entry in ClinVar:

NM_006267.5(RANBP2):c.6707A>C (p.Asp2236Ala)

Gene: RANBP2 (RAN binding protein 2; plus strand). Cytogenetic location: 2q13.
Variant type: single nucleotide variant.
Coding change: c.6707A>C on transcript NM_006267.5 (MANE Select); coding-DNA position 6707, A replaced by C.
Protein change: p.Asp2236Ala; replaces aspartic acid 2236 with alanine.
Molecular consequence: missense variant.
Genome position (GRCh38, 1-based): chr2:108,767,246, A>C. VCF-style: chr2-108767246-A-C. GRCh37 (hg19) VCF-style: chr2-109383702-A-C.
Other names: c.6707A>C, p.Asp2236Ala (NM_001415871.1, NM_001415873.1); c.6704A>C, p.Asp2235Ala (NM_001415872.1); short protein forms D2235A, D2236A.
Identifiers: ClinVar variation 4525995 (VCV004525995.1).
Genomic context (GRCh38, chr2:108,767,246, plus strand): 5'-AAAACACTGGGCCCACATTAGAATGGGATAACTATGATTTAAGGGAAGATGCTTTGGATG[A>C]TAGTGTCAGTAGTAGCTCAGTACATGCTTCTCCATTGGCAAGTAGCCCTGTGAGAAAAAA-3'
Protein context (NP_006258.3, residues 2226-2246): NYDLREDALD[Asp2236Ala]SVSSSSVHAS

ClinVar aggregate classification (germline): Uncertain significance (1 of 4 stars; one submission).

gnomAD v4.1: 71 of 1,611,944 alleles (0.0044%); highest among the groups gnomAD compares: Non-Finnish European, 0.0055%; no homozygotes.

Submission:

Women's Health and Genetics/Laboratory Corporation of America, LabCorp
Classification: Uncertain significance. Last evaluated: 2025-07-29. Review status: criteria provided, single submitter. Criteria: LabCorp Variant Classification Summary - May 2015. Collection method: clinical testing. Allele origin: germline.
Comment: Variant summary: RANBP2 c.6707A>C (p.Asp2236Ala) results in a non-conservative amino acid change in the encoded protein sequence. Algorithms developed to predict the effect of missense changes on protein structure and function are either unavailable or do not agree on the potential impact of this missense change. The variant allele was found at a frequency of 4e-06 in 250410 control chromosomes. The available data on variant occurrences in the general population are insufficient to allow any conclusion about variant significance. To our knowledge, no occurrence of c.6707A>C in individuals affected with Familial Acute Necrotizing Encephalopathy and no experimental evidence demonstrating its impact on protein function have been reported. No submitters have cited clinical-significance assessments for this variant to ClinVar. Based on the evidence outlined above, the variant was classified as uncertain significance.